The following is an entry in ClinVar:

ClinVar aggregate classification (germline): Uncertain significance (1 of 4 stars; one submission).

Submission:

Ambry Genetics
Classification: Uncertain significance. Last evaluated: 2021-05-12. Review status: criteria provided, single submitter. Criteria: Ambry Variant Classification Scheme 2023. Collection method: clinical testing. Allele origin: germline.
Comment: The c.628_630delCTT variant (also known as p.L210del) is located in coding exon 5 of the RINT1 gene. This variant results from an in-frame CTT deletion at nucleotide positions 628 to 630. This results in the in-frame deletion of a leucine at codon 210. This amino acid position is not well conserved in available vertebrate species. In addition, this alteration is predicted to be deleterious by in silico analysis (Choi Y et al. PLoS ONE. 2012; 7(10):e46688). Since supporting evidence is limited at this time, the clinical significance of this alteration remains unclear.

NM_021930.6(RINT1):c.625CTT[1] (p.Leu210del)

Gene: RINT1 (RAD50 interactor 1; plus strand). Cytogenetic location: 7q22.3.
Variant type: Microsatellite.
Coding change: c.625CTT[1] on transcript NM_021930.6 (MANE Select); one copy of the 3-base unit CTT starting at c.625; the reference has two copies in a row; one copy, 3 bases deleted.
Protein change: p.Leu210del; deletes leucine 210.
Molecular consequence: inframe deletion. On other transcripts: 5 prime UTR variant (2), non-coding transcript variant (1), intron variant (1).
Genome position (GRCh38, 1-based): chr7:105,547,022-105,547,024, CTT deleted; deleting any 3 consecutive bases within chr7:105,547,018-105,547,024 gives the same sequence; the position shown is the placement nearest the transcript's 3' end. VCF-style (leftmost placement, unchanged base first): chr7-105547017-ATCT-A. GRCh37 (hg19) VCF-style: chr7-105187464-ATCT-A.
Other names: c.391CTT[1], p.Leu132del (NM_001346599.2); c.-395CTT[1] (NM_001346600.2); c.-298CTT[1] (NM_001346601.2); c.-27-3033_-27-3031del (NM_001346603.2); short protein forms L132del, L210del.
Identifiers: ClinVar variation 1752600 (VCV001752600.2), dbSNP rs750384402, ClinGen allele CA4426477.